The following is an entry in ClinVar:

ClinVar aggregate classification (germline): Pathogenic/Likely pathogenic. Review status: criteria provided, multiple submitters, no conflicts (2 of 4 stars). 6 submissions from 6 submitters: Pathogenic (3); Likely pathogenic (1). 2 of the submissions do not count toward it. Last evaluated 2026-02-13.

Conditions:
SMPD1-related disorder. Also called: SMPD1-related condition.
Niemann-Pick disease, type B. Also called: Chronic Visceral ASMD (Niemann-Pick Disease Type B; NPD-B). Identifiers: Orphanet 77293, MedGen C0268243, MONDO:0011871, OMIM 607616. Disease mechanism: loss of function.
Niemann-Pick disease, type A. Also called: SPHINGOMYELIN LIPIDOSIS; SPHINGOMYELINASE DEFICIENCY; Infantile Neurovisceral ASMD (Niemann-Pick Disease Type A; NPD-A). Identifiers: Orphanet 77292, MedGen C0268242, MONDO:0009756, OMIM 257200. Disease mechanism: loss of function.

Submissions (6):

Women's Health and Genetics/Laboratory Corporation of America, LabCorp
Classification: Pathogenic for Niemann-Pick disease, type A. Last evaluated: 2026-02-13. Review status: criteria provided, single submitter. Criteria: LabCorp Variant Classification Summary - May 2015. Collection method: clinical testing. Allele origin: germline.
Comment: Variant summary: SMPD1 c.28C>T (p.Gln10X) results in a premature termination codon, predicted to cause a truncation of the encoded protein or absence of the protein due to nonsense mediated decay, which are commonly known mechanisms for disease. The frequency data for this variant in gnomAD is considered unreliable, as metrics indicate poor data quality at this position. c.28C>T has been observed in the presumed compound heterozygous state in at least 1 individual(s) affected with clinical and biochemical features of Niemann-Pick disease (example, VelezPinos_2023). The following publication has been ascertained in the context of this evaluation (PMID: 36779112). ClinVar contains an entry for this variant (Variation ID: 550117). Based on the evidence outlined above, the variant was classified as pathogenic.

Labcorp Genetics (formerly Invitae), Labcorp
Classification: Pathogenic for Niemann-Pick disease, type B; Niemann-Pick disease, type A. Last evaluated: 2026-01-04. Review status: criteria provided, single submitter. Criteria: Invitae Variant Classification Sherloc (09022015). Collection method: clinical testing. Allele origin: germline.
Comment: This sequence change creates a premature translational stop signal (p.Gln10*) in the SMPD1 gene. It is expected to result in an absent or disrupted protein product. Loss-of-function variants in SMPD1 are known to be pathogenic (PMID: 12369017, 15221801). This variant is not present in population databases (gnomAD no frequency). This variant has not been reported in the literature in individuals affected with SMPD1-related conditions. ClinVar contains an entry for this variant (Variation ID: 550117). For these reasons, this variant has been classified as Pathogenic.

Natera, Inc.
Classification: Pathogenic for Niemann-Pick Disease, Types A/B. Last evaluated: 2025-10-28. Review status: criteria provided, single submitter. Criteria: Natera Variant Classification Schema (03/2026). Collection method: clinical testing. Allele origin: germline.
Comment: The c.28C>T variant in SMPD1 is a nonsense variant predicted to introduce a stop codon at amino acid 10. This variant is expected to result in nonsense mediated decay, truncation, or a dysfunctional protein product. This variant is rare in the general population with a frequency below the threshold expected for the associated phenotype(s). This variant has been observed in one or more individuals affected with the associated recessive disease, as either homozygous or compound heterozygous with a second variant (PMID: 40218154). Given the available evidence, this variant is classified as Pathogenic.

Baylor Genetics
Classification: Likely pathogenic for Niemann-Pick disease, type A. Last evaluated: 2024-01-03. Review status: criteria provided, single submitter. Criteria: ACMG Guidelines, 2015. Collection method: clinical testing. Allele origin: unknown.

PreventionGenetics, part of Exact Sciences
Classification: Likely pathogenic for SMPD1-related condition. Last evaluated: 2023-11-02. Review status: no assertion criteria provided. Collection method: clinical testing. Allele origin: germline. Not counted in ClinVar's aggregate classification.
Comment: The SMPD1 c.28C>T variant is predicted to result in premature protein termination (p.Gln10*). This variant was reported in an individual with Niemann-Pick disease (Vélez Pinos et al. 2023. PubMed ID: 36779112). This variant has not been reported in a large population database, indicating this variant is rare. Nonsense variants in SMPD1 are expected to be pathogenic. This variant is interpreted as likely pathogenic.

Counsyl
Classification: Likely pathogenic for Niemann-Pick disease, type A. Last evaluated: 2016-12-29. Review status: no assertion criteria provided. Collection method: clinical testing. Allele origin: unknown. Not counted in ClinVar's aggregate classification.

Literature cited by the submitters: PubMed 36779112 (cited by Women's Health and Genetics/Laboratory Corporation of America, LabCorp); PubMed 12369017 (cited by Labcorp Genetics (formerly Invitae), Labcorp); PubMed 15221801 (cited by Labcorp Genetics (formerly Invitae), Labcorp); PubMed 40218154 (cited by Natera, Inc.).

NM_000543.5(SMPD1):c.28C>T (p.Gln10Ter)

Genes: SMPD1 (sphingomyelin phosphodiesterase 1; plus strand), LOC130005193 (ATAC-STARR-seq lymphoblastoid silent region 3099; plus strand). Cytogenetic location: 11p15.4.
Variant type: single nucleotide variant.
Coding change: c.28C>T on transcript NM_000543.5 (MANE Select); coding-DNA position 28, C replaced by T.
Protein change: p.Gln10Ter; replaces glutamine 10 with a stop codon.
Molecular consequence: nonsense. On other transcripts: 5 prime UTR variant (1), non-coding transcript variant (2).
Genome position (GRCh38, 1-based): chr11:6,390,626, C>T. VCF-style: chr11-6390626-C-T. GRCh37 (hg19) VCF-style: chr11-6411856-C-T.
Other names: c.28C>T, p.Gln10Ter (NM_001007593.3, NM_001318087.2, NM_001365135.2); c.-934C>T (NM_001318088.2); short protein forms Q10*.
Identifiers: ClinVar variation 550117 (VCV000550117.15), dbSNP rs1205990349, ClinGen allele CA379366496.